The following is an entry in ClinVar:

ClinVar aggregate classification (germline): Likely benign (0 of 4 stars; one submission).

Conditions:
SNAP29-related disorder. Also called: SNAP29-related condition.

Allele frequency attached by ClinVar (database versions not stated): gnomAD exomes 0.00001.
gnomAD v4.1: 7 of 1,595,854 alleles (0.00044%); highest among the groups gnomAD compares: East Asian, 0.016%; no homozygotes.

Submission:

PreventionGenetics, part of Exact Sciences
Classification: Likely benign for SNAP29-related condition. Last evaluated: 2019-08-20. Review status: no assertion criteria provided. Collection method: clinical testing. Allele origin: germline.
Comment: This variant is classified as likely benign based on ACMG/AMP sequence variant interpretation guidelines (Richards et al. 2015 PMID: 25741868, with internal and published modifications).

NM_004782.4(SNAP29):c.520+3A>G

Gene: SNAP29 (synaptosome associated protein 29; plus strand). Cytogenetic location: 22q11.21.
Variant type: single nucleotide variant.
Coding change: c.520+3A>G on transcript NM_004782.4 (MANE Select); 3 bases into the intron after coding-DNA position 520, A replaced by G.
Molecular consequence: intron variant.
Genome position (GRCh38, 1-based): chr22:20,881,137, A>G. VCF-style: chr22-20881137-A-G. GRCh37 (hg19) VCF-style: chr22-21235425-A-G.
Identifiers: ClinVar variation 3053782 (VCV003053782.2), dbSNP rs956409946, ClinGen allele CA322274154.